The following is an entry in ClinVar:

NM_000179.3(MSH6):c.3052C>G (p.Leu1018Val)

Gene: MSH6 (mutS homolog 6; plus strand). Cytogenetic location: 2p16.3.
Variant type: single nucleotide variant.
Coding change: c.3052C>G on transcript NM_000179.3 (MANE Select); coding-DNA position 3052, C replaced by G.
Protein change: p.Leu1018Val; replaces leucine 1018 with valine.
Molecular consequence: missense variant.
Genome position (GRCh38, 1-based): chr2:47,801,035, C>G. VCF-style: chr2-47801035-C-G. GRCh37 (hg19) VCF-style: chr2-48028174-C-G.
Other names: c.2662C>G, p.Leu888Val (NM_001281492.2); c.2146C>G, p.Leu716Val (NM_001281493.2, NM_001281494.2); short protein forms L1018V, L716V, L888V.
Identifiers: ClinVar variation 1055456 (VCV001055456.13), dbSNP rs878853727, ClinGen allele CA346756505.
Genomic context (GRCh38, chr2:47,801,035, plus strand): 5'-TCTACCAAGAAGGGCTGTAAACGATACTGGACCAAAACTATTGAAAAGAAGTTGGCTAAT[C>G]TCATAAATGCTGAAGAACGGAGGGATGTATCATTGAAGGACTGCATGCGGCGACTGTTCT-3'
Protein context (NP_000170.1, residues 1008-1028): TKTIEKKLAN[Leu1018Val]INAEERRDVS

ClinVar aggregate classification (germline): Uncertain significance. Review status: criteria provided, multiple submitters, no conflicts (2 of 4 stars). 3 submissions from 3 submitters: Uncertain significance (3). Last evaluated 2025-01-13.

Conditions:
Hereditary nonpolyposis colorectal neoplasms. Identifiers: MedGen C0009405, MeSH D003123.
Lynch syndrome 5 (LYNCH5). Also called: Hereditary non-polyposis colorectal cancer, type 5; Colorectal cancer, hereditary nonpolyposis, type 5. Identifiers: Orphanet 144, MedGen C1833477, MONDO:0013710, OMIM 614350. Disease mechanism: loss of function.
Mismatch repair cancer syndrome 3. Identifiers: MedGen C5436807, MONDO:0030841, OMIM 619097.
Endometrial carcinoma. Also called: Endometrial carcinoma, somatic. Identifiers: MedGen C0476089, MONDO:0002447, OMIM 608089, HP:0012114.
Hereditary cancer-predisposing syndrome. Also called: Hereditary Cancer Syndrome; Tumor predisposition; Hereditary neoplastic syndrome; Neoplastic Syndromes, Hereditary. Identifiers: Orphanet 140162, MedGen C0027672, MeSH D009386, MONDO:0015356.

Allele frequency attached by ClinVar (database versions not stated): TOPMed below 0.00001.
gnomAD v4.1: 1 of 1,585,890 alleles (0.000063%); highest among the groups gnomAD compares: Non-Finnish European, 0.000086%; no homozygotes.

Submissions (3):

Department of Pathology and Laboratory Medicine, Sinai Health System
Classification: Uncertain significance for Endometrial carcinoma; Lynch syndrome 5; Mismatch repair cancer syndrome 3. Last evaluated: 2025-01-13. Review status: criteria provided, single submitter. Criteria: ACMG Guidelines, 2015. Collection method: clinical testing. Allele origin: germline.

Labcorp Genetics (formerly Invitae), Labcorp
Classification: Uncertain significance for Hereditary nonpolyposis colorectal neoplasms. Last evaluated: 2020-07-13. Review status: criteria provided, single submitter. Criteria: Invitae Variant Classification Sherloc (09022015). Collection method: clinical testing. Allele origin: germline.
Comment: In summary, the available evidence is currently insufficient to determine the role of this variant in disease. Therefore, it has been classified as a Variant of Uncertain Significance. Algorithms developed to predict the effect of missense changes on protein structure and function are either unavailable or do not agree on the potential impact of this missense change (SIFT: "Deleterious"; PolyPhen-2: "Probably Damaging"; Align-GVGD: "Class C0"). This sequence change replaces leucine with valine at codon 1018 of the MSH6 protein (p.Leu1018Val). The leucine residue is highly conserved and there is a small physicochemical difference between leucine and valine. This variant is not present in population databases (ExAC no frequency). This variant has not been reported in the literature in individuals with MSH6-related conditions.

Ambry Genetics
Classification: Uncertain significance for Hereditary cancer-predisposing syndrome. Last evaluated: 2020-02-13. Review status: criteria provided, single submitter. Criteria: Ambry Variant Classification Scheme 2023. Collection method: clinical testing. Allele origin: germline.
Comment: The p.L1018V variant (also known as c.3052C>G), located in coding exon 4 of the MSH6 gene, results from a C to G substitution at nucleotide position 3052. The leucine at codon 1018 is replaced by valine, an amino acid with highly similar properties. This amino acid position is well conserved in available vertebrate species. In addition, the in silico prediction for this alteration is inconclusive. Since supporting evidence is limited at this time, the clinical significance of this alteration remains unclear.